The following is an entry in ClinVar:

ClinVar aggregate classification (germline): Likely benign (1 of 4 stars; one submission).

Allele frequency attached by ClinVar (database versions not stated): gnomAD 0.00006; TOPMed 0.00006.
gnomAD v4.1: 95 of 1,587,602 alleles (0.006%); highest among the groups gnomAD compares: Non-Finnish European, 0.0081%; no homozygotes.

Submission:

GeneDx
Classification: Likely benign. Last evaluated: 2017-09-19. Review status: criteria provided, single submitter. Criteria: GeneDx Variant Classification (06012015). Collection method: clinical testing. Allele origin: germline. Affected: yes.
Comment: This variant is considered likely benign or benign based on one or more of the following criteria: it is a conservative change, it occurs at a poorly conserved position in the protein, it is predicted to be benign by multiple in silico algorithms, and/or has population frequency not consistent with disease.

NM_000702.4(ATP1A2):c.-31C>G

Gene: ATP1A2 (ATPase Na+/K+ transporting subunit alpha 2; plus strand). Cytogenetic location: 1q23.2.
Variant type: single nucleotide variant.
Coding change: c.-31C>G on transcript NM_000702.4 (MANE Select); 31 bases upstream of the start codon, C replaced by G.
Molecular consequence: 5 prime UTR variant.
Genome position (GRCh38, 1-based): chr1:160,115,831, C>G. VCF-style: chr1-160115831-C-G. GRCh37 (hg19) VCF-style: chr1-160085621-C-G.
Identifiers: ClinVar variation 512192 (VCV000512192.1), dbSNP rs192111085, ClinGen allele CA1194028.